The following is an entry in ClinVar:

ClinVar aggregate classification (germline): Likely pathogenic (1 of 4 stars; one submission).

Conditions:
Primary familial dilated cardiomyopathy (FDC). Also called: Familial dilated cardiomyopathy; Hypokinetic dilated cardiomyopathy, familial. Identifiers: Orphanet 217607, MedGen C0340427, MONDO:0016333.

Submission:

Women's Health and Genetics/Laboratory Corporation of America, LabCorp
Classification: Likely pathogenic for Primary familial dilated cardiomyopathy. Last evaluated: 2022-07-19. Review status: criteria provided, single submitter. Criteria: LabCorp Variant Classification Summary - May 2015. Collection method: clinical testing. Allele origin: germline.
Comment: Variant summary: TTN c.47496_47500delinsG (p.Val15833SerfsX21) results in a premature termination codon, predicted to cause a truncation of the encoded protein or absence of the protein due to nonsense mediated decay, which are commonly known mechanisms for disease. This variant alters a constitutively expressed exon located in the A-band region of the TTN protein. Truncations downstream of this position have been observed in association with dilated Cardiomyopathy in the HGMD database. The variant was absent in 248160 control chromosomes. To our knowledge, no occurrence of c.47496_47500delinsG in individuals affected with Dilated Cardiomyopathy and no experimental evidence demonstrating its impact on protein function have been reported. No clinical diagnostic laboratories have submitted clinical-significance assessments for this variant to ClinVar after 2014. Based on the evidence outlined above, the variant was classified as likely pathogenic.

NM_001267550.2(TTN):c.55200_55204delinsG (p.Val18401fs)

Genes: TTN (titin; minus strand), TTN-AS1 (TTN antisense RNA 1; plus strand). Cytogenetic location: 2q31.2.
Variant type: Indel.
Coding change: c.55200_55204delinsG on transcript NM_001267550.2 (MANE Select); coding-DNA positions 55200 to 55204, TGTCA replaced by G.
Protein change: p.Val18401fs; shifts the reading frame from valine 18401.
Molecular consequence: frameshift variant.
Genome position (GRCh38, 1-based): chr2:178,602,067-178,602,071, TGACA replaced by C on the plus strand (TGTCA replaced by G on the coding strand, the reverse complement: TTN is on the minus strand). VCF-style: chr2-178602067-TGACA-C. GRCh37 (hg19) VCF-style: chr2-179466794-TGACA-C.
Other names: c.50277_50281delinsG, p.Val16760fs (NM_001256850.1); c.28005_28009delinsG, p.Val9336fs (NM_003319.4); c.47496_47500delinsG, p.Val15833fs (NM_133378.4); c.28380_28384delinsG, p.Val9461fs (NM_133432.3); c.28581_28585delinsG, p.Val9528fs (NM_133437.4); short protein forms V9336fs, V9528fs, V18401fs, V9461fs, V15833fs, V16760fs.
Identifiers: ClinVar variation 1704615 (VCV001704615.1), dbSNP rs2470033919, ClinGen allele CA2580064762.